The following is an entry in ClinVar:

NM_004304.5(ALK):c.3388G>A (p.Val1130Met)

Gene: ALK (ALK receptor tyrosine kinase; minus strand). Cytogenetic location: 2p23.2.
Variant type: single nucleotide variant.
Coding change: c.3388G>A on transcript NM_004304.5 (MANE Select); coding-DNA position 3388, G replaced by A.
Protein change: p.Val1130Met; replaces valine 1130 with methionine.
Molecular consequence: missense variant.
Genome position (GRCh38, 1-based): chr2:29,222,579, C>T on the plus strand (G>A on the coding strand, the complement: ALK is on the minus strand). VCF-style: chr2-29222579-C-T. GRCh37 (hg19) VCF-style: chr2-29445445-C-T.
Other names: c.184G>A, p.Val62Met (NM_001353765.2); short protein forms V1130M, V62M.
Identifiers: ClinVar variation 1420642 (VCV001420642.8), dbSNP rs1060500215, ClinGen allele CA346464075.

ClinVar aggregate classification (germline): Uncertain significance (1 of 4 stars; one submission).

Conditions:
Neuroblastoma, susceptibility to, 3. Also called: ALK-Related Neuroblastic Tumor Susceptibility. Identifiers: Orphanet 635, MedGen C2751681, MONDO:0013083, OMIM 613014.

Submission:

Labcorp Genetics (formerly Invitae), Labcorp
Classification: Uncertain significance for Neuroblastoma, susceptibility to, 3. Last evaluated: 2021-06-05. Review status: criteria provided, single submitter. Criteria: Invitae Variant Classification Sherloc (09022015). Collection method: clinical testing. Allele origin: germline.
Comment: This sequence change replaces valine with methionine at codon 1130 of the ALK protein (p.Val1130Met). The valine residue is highly conserved and there is a small physicochemical difference between valine and methionine. This variant is not present in population databases (ExAC no frequency). This variant has not been reported in the literature in individuals with ALK-related conditions. Algorithms developed to predict the effect of missense changes on protein structure and function are either unavailable or do not agree on the potential impact of this missense change (SIFT: "Deleterious"; PolyPhen-2: "Probably Damaging"; Align-GVGD: "Class C15"). In summary, the available evidence is currently insufficient to determine the role of this variant in disease. Therefore, it has been classified as a Variant of Uncertain Significance.